The following is an entry in ClinVar:

ClinVar aggregate classification (germline): Pathogenic/Likely pathogenic. Review status: criteria provided, multiple submitters, no conflicts (2 of 4 stars). 2 submissions from 2 submitters: Pathogenic (1); Likely pathogenic (1). Last evaluated 2025-01-06.

Conditions:
CDHR1-related disorders.

Allele frequency attached by ClinVar (database versions not stated): TOPMed below 0.00001.

Submissions (2):

Labcorp Genetics (formerly Invitae), Labcorp
Classification: Pathogenic. Last evaluated: 2025-01-06. Review status: criteria provided, single submitter. Criteria: Invitae Variant Classification Sherloc (09022015). Collection method: clinical testing. Allele origin: germline.
Comment: This sequence change affects an acceptor splice site in intron 11 of the CDHR1 gene. It is expected to disrupt RNA splicing. Variants that disrupt the donor or acceptor splice site typically lead to a loss of protein function (PMID: 16199547), and loss-of-function variants in CDHR1 are known to be pathogenic (PMID: 23044944, 23591405, 26103963, 26261414). This variant is not present in population databases (gnomAD no frequency). Disruption of this splice site has been observed in individuals with retinitis pigmentosa (PMID: 34926197; internal data). ClinVar contains an entry for this variant (Variation ID: 955272). Algorithms developed to predict the effect of sequence changes on RNA splicing suggest that this variant may disrupt the consensus splice site. For these reasons, this variant has been classified as Pathogenic.

Blueprint Genetics
Classification: Likely pathogenic for CDHR1-related disorders. Last evaluated: 2024-05-29. Review status: criteria provided, single submitter. Criteria: ACMG Guidelines, 2015. Collection method: clinical testing. Allele origin: germline. Affected: yes. Observed: 2 variant alleles.

Literature cited by the submitters: PubMed 16199547 (cited by Labcorp Genetics (formerly Invitae), Labcorp); PubMed 23044944 (cited by Labcorp Genetics (formerly Invitae), Labcorp); PubMed 23591405 (cited by Labcorp Genetics (formerly Invitae), Labcorp); PubMed 26103963 (cited by Labcorp Genetics (formerly Invitae), Labcorp); PubMed 26261414 (cited by Labcorp Genetics (formerly Invitae), Labcorp); PubMed 34926197 (cited by Labcorp Genetics (formerly Invitae), Labcorp).

NM_033100.4(CDHR1):c.1168-1G>C

Gene: CDHR1 (cadherin related family member 1; plus strand). Cytogenetic location: 10q23.1.
Variant type: single nucleotide variant.
Coding change: c.1168-1G>C on transcript NM_033100.4 (MANE Select); the canonical splice acceptor site of the intron before coding-DNA position 1168, G replaced by C.
Molecular consequence: splice acceptor variant.
Genome position (GRCh38, 1-based): chr10:84,208,728, G>C. VCF-style: chr10-84208728-G-C. GRCh37 (hg19) VCF-style: chr10-85968484-G-C.
Other names: c.1168-1G>C (NM_001171971.3).
Identifiers: ClinVar variation 955272 (VCV000955272.11), dbSNP rs1395276529, ClinGen allele CA377375278.